The following is an entry in ClinVar:

NM_001999.4(FBN2):c.7200T>C (p.Ser2400=)

Gene: FBN2 (fibrillin 2; minus strand). Cytogenetic location: 5q23.3.
Variant type: single nucleotide variant.
Coding change: c.7200T>C on transcript NM_001999.4 (MANE Select); coding-DNA position 7200, T replaced by C.
Protein change: p.Ser2400=; no amino-acid change (serine 2400 retained).
Molecular consequence: synonymous variant.
Genome position (GRCh38, 1-based): chr5:128,278,780, A>G on the plus strand (T>C on the coding strand, the complement: FBN2 is on the minus strand). VCF-style: chr5-128278780-A-G. GRCh37 (hg19) VCF-style: chr5-127614472-A-G.
Other names: p.S2400S:AGT>AGC; p.Ser2400=.
Identifiers: ClinVar variation 129049 (VCV000129049.42), dbSNP rs190450, ClinGen allele CA288835.

ClinVar aggregate classification (germline): Benign. Review status: criteria provided, multiple submitters, no conflicts (2 of 4 stars). 16 submissions from 15 submitters: Benign (14). 2 of the submissions do not count toward it. Last evaluated 2026-02-04.

Conditions:
Familial thoracic aortic aneurysm and aortic dissection (TAAD). Also called: Thoracic aortic aneurysms and dissections. Identifiers: Orphanet 91387, MedGen C4707243, MONDO:0019625.
Congenital contractural arachnodactyly (CCA). Also called: Arthrogryposis, distal, type 9; Beals-Hecht syndrome; BEALS SYNDROME. Identifiers: Orphanet 115, MedGen C0220668, MONDO:0007363, OMIM 121050.
Macular degeneration, early-onset (EOMD). Identifiers: MedGen C4015286, MONDO:0014501, OMIM 616118.

Allele frequency attached by ClinVar (database versions not stated): ESP Exome Variant Server 0.67792; TOPMed 0.68076; gnomAD 0.69111 and 0.69725; gnomAD exomes 0.70384 and 0.72612; 1000 Genomes Project 30x 0.71830; 1000 Genomes Project 0.72664; ExAC 0.72811.
gnomAD v4.1: 1,134,182 of 1,613,582 alleles (70%); highest among the groups gnomAD compares: East Asian, 87%; 400,515 homozygotes.

Submissions (16):

Labcorp Genetics (formerly Invitae), Labcorp
Classification: Benign for Congenital contractural arachnodactyly. Last evaluated: 2026-02-04. Review status: criteria provided, single submitter. Criteria: Invitae Variant Classification Sherloc (09022015). Collection method: clinical testing. Allele origin: germline.

ARUP Laboratories, Molecular Genetics and Genomics, ARUP Laboratories
Classification: Benign. Last evaluated: 2025-07-29. Review status: criteria provided, single submitter. Criteria: ARUP Molecular Germline Variant Investigation Process 2024. Collection method: clinical testing. Allele origin: germline.

Blueprint Genetics
Classification: Benign. Last evaluated: 2024-11-26. Review status: criteria provided, single submitter. Criteria: ACMG Guidelines, 2015. Collection method: clinical testing. Allele origin: germline.

Women's Health and Genetics/Laboratory Corporation of America, LabCorp
Classification: Benign. Last evaluated: 2023-04-04. Review status: criteria provided, single submitter. Criteria: LabCorp Variant Classification Summary - May 2015. Collection method: clinical testing. Allele origin: germline.

Genome-Nilou Lab
Classification: Benign for Congenital contractural arachnodactyly. Last evaluated: 2021-08-10. Review status: criteria provided, single submitter. Criteria: ACMG Guidelines, 2015. Collection method: clinical testing. Allele origin: germline. Affected: no.

Genome-Nilou Lab
Classification: Benign for Macular degeneration, early-onset. Last evaluated: 2021-08-10. Review status: criteria provided, single submitter. Criteria: ACMG Guidelines, 2015. Collection method: clinical testing. Allele origin: germline. Affected: no.

Illumina Laboratory Services, Illumina
Classification: Benign for Congenital contractural arachnodactyly. Last evaluated: 2018-01-12. Review status: criteria provided, single submitter. Criteria: ICSL Variant Classification Criteria 13 December 2019. Collection method: clinical testing. Allele origin: germline.
Comment: This variant was observed in the ICSL laboratory as part of a predisposition screen in an ostensibly healthy population. It had not been previously curated by ICSL or reported in the Human Gene Mutation Database (HGMD: prior to June 1st, 2018), and was therefore a candidate for classification through an automated scoring system. Utilizing variant allele frequency, disease prevalence and penetrance estimates, and inheritance mode, an automated score was calculated to assess if this variant is too frequent to cause the disease. Based on the score and internal cut-off values, a variant classified as benign is not then subjected to further curation. The score for this variant resulted in a classification of benign for this disease.

Clinical Genetics DNA and cytogenetics Diagnostics Lab, Erasmus MC, Erasmus Medical Center
Classification: Benign for Congenital contractural arachnodactyly. Last evaluated: 2017-06-28. Review status: criteria provided, single submitter. Criteria: ACGS Guidelines, 2013. Collection method: clinical testing. Allele origin: germline. Affected: yes. Study: VKGL Data-share Consensus.

Ambry Genetics
Classification: Benign for Familial thoracic aortic aneurysm and aortic dissection. Last evaluated: 2014-11-25. Review status: criteria provided, single submitter. Criteria: Ambry Variant Classification Scheme 2023. Collection method: clinical testing. Allele origin: germline.

Mayo Clinic Laboratories, Mayo Clinic
Classification: Benign. Last evaluated: 2014-01-31. Review status: criteria provided, single submitter. Criteria: ACMG Guidelines, 2015. Collection method: clinical testing. Allele origin: germline. Observed: 1,336 variant alleles.

Genetic Services Laboratory, University of Chicago
Classification: Benign for AllHighlyPenetrant. Last evaluated: 2013-08-15. Review status: criteria provided, single submitter. Criteria: ACMG Guidelines, 2007. Collection method: clinical testing. Allele origin: germline. Inheritance: Autosomal dominant inheritance.

Laboratory for Molecular Medicine, Mass General Brigham Personalized Medicine
Classification: Benign. Last evaluated: 2013-04-04. Review status: criteria provided, single submitter. Criteria: LMM Criteria. Collection method: clinical testing. Allele origin: germline. Observed: 18 variant alleles.
Comment: Ser2400Ser in exon 57 of FBN2: This variant is not expected to have clinical sig nificance because it does not alter an amino acid residue and is not located wit hin the splice consensus sequence. It has been identified in 36.8% (1621/4406) o f African American chromosomes from a broad population by the NHLBI Exome Sequen cing Project (dbSNP rs190450).

GeneDx
Classification: Benign. Last evaluated: 2012-11-02. Review status: criteria provided, single submitter. Criteria: GeneDx Variant Classification (06012015). Collection method: clinical testing. Allele origin: germline. Affected: yes.
Comment: This variant is considered likely benign or benign based on one or more of the following criteria: it is a conservative change, it occurs at a poorly conserved position in the protein, it is predicted to be benign by multiple in silico algorithms, and/or has population frequency not consistent with disease.

PreventionGenetics, part of Exact Sciences
Classification: Benign. Review status: criteria provided, single submitter. Criteria: ACMG Guidelines, 2015. Collection method: clinical testing. Allele origin: germline.

Genome Diagnostics Laboratory, Amsterdam University Medical Center
Classification: Benign for Congenital contractural arachnodactyly. Last evaluated: 2014-11-19. Review status: no assertion criteria provided. Criteria: ACGS Guidelines, 2013. Collection method: clinical testing. Allele origin: germline. Affected: yes. Study: VKGL Data-share Consensus. Not counted in ClinVar's aggregate classification.

Diagnostic Laboratory, Department of Genetics, University Medical Center Groningen
Classification: Benign for Congenital contractural arachnodactyly. Review status: no assertion criteria provided. Collection method: clinical testing. Allele origin: germline. Affected: yes. Study: VKGL Data-share Consensus. Not counted in ClinVar's aggregate classification.